The following is an entry in ClinVar:

ClinVar aggregate classification (germline): Likely benign (1 of 4 stars; one submission).

Conditions:
Lynch syndrome 5 (LYNCH5). Also called: Colorectal cancer, hereditary nonpolyposis, type 5; Hereditary non-polyposis colorectal cancer, type 5. Identifiers: Orphanet 144, MedGen C1833477, MONDO:0013710, OMIM 614350. Disease mechanism: loss of function.

Submission:

Myriad Genetics, Inc.
Classification: Likely benign for Lynch syndrome 5. Last evaluated: 2025-01-07. Review status: criteria provided, single submitter. Criteria: Myriad Autosomal Dominant, Autosomal Recessive and X-Linked Classification Criteria (2023). Collection method: clinical testing. Allele origin: unknown.
Comment: This variant is considered likely benign. This variant is intronic and is not expected to impact mRNA splicing.

NM_000179.3(MSH6):c.3557-9T>C

Gene: MSH6 (mutS homolog 6; plus strand). Cytogenetic location: 2p16.3.
Variant type: single nucleotide variant.
Coding change: c.3557-9T>C on transcript NM_000179.3 (MANE Select); 9 bases into the intron before coding-DNA position 3557, T replaced by C.
Molecular consequence: intron variant.
Genome position (GRCh38, 1-based): chr2:47,805,609, T>C. VCF-style: chr2-47805609-T-C. GRCh37 (hg19) VCF-style: chr2-48032748-T-C.
Other names: c.3557-9T>C (NM_001406809.1, NM_001406796.1, NM_001406808.1 and 1 more transcripts); c.2651-9T>C (NM_001406811.1, NM_001406814.1, NM_001281493.2 and 6 more transcripts); c.3260-9T>C (NM_001406805.1, NM_001406797.1, NM_001406801.1 and 10 more transcripts); c.3653-9T>C (NM_001406795.1, NM_001406802.1); c.3563-9T>C (NM_001406813.1); c.3032-9T>C (NM_001406807.1, NM_001406799.1, NM_001406806.1); c.3383-9T>C (NM_001406798.1); c.2693-9T>C (NM_001406803.1); and 7 more.
Identifiers: ClinVar variation 3903935 (VCV003903935.1).